The following is an entry in ClinVar:

GRCh38/hg38 4q28.2(chr4:127964562-127965767)x0

Genes: ABHD18 (abhydrolase domain containing 18; plus strand), MFSD8 (major facilitator superfamily domain containing 8; minus strand), LOC129993058 (ATAC-STARR-seq lymphoblastoid silent region 15678; plus strand). Cytogenetic location: 4q28.2.
Variant type: copy number loss.
Change: copy number 0 (both copies lost) of chr4:127,964,562-127,965,767 (1.2 kb, GRCh38 coordinates, 1-based), cytogenetic band 4q28.2.
Identifiers: ClinVar variation 2579280 (VCV002579280.1).

ClinVar aggregate classification (germline): Uncertain significance (1 of 4 stars; one submission).

Conditions:
Neuronal ceroid lipofuscinosis 7 (CLN7). Also called: MFSD8-Related Neuronal Ceroid-Lipofuscinosis. Identifiers: Orphanet 168491, Orphanet 228366, MedGen C1838571, MONDO:0012588, OMIM 610951.

Submission:

Broad Center for Mendelian Genomics, Broad Institute of MIT and Harvard
Classification: Uncertain significance for Neuronal ceroid lipofuscinosis 7. Last evaluated: 2023-08-24. Review status: criteria provided, single submitter. Criteria: ACMG/ClinGen CNV Guidelines, 2019. Collection method: research. Allele origin: unknown. Inheritance: Autosomal recessive inheritance. Affected: yes.
Comment: These breakpoints have been estimated by exome sequencing only and therefore may not reflect the true breakpoints. Inheritance information is unavailable. The patient phenotype is nonspecific, but is consistent with cases described in the literature and/or published databases with overlapping variants. This intragenic variant deletes the first coding exon and is predicted to cause loss of the methionine initiation codon. This alteration is then predicted to lead to a truncated or absent protein. There is potential for rescue from a downstream methionine initiation codon. Loss of function of MFSD8 is an established disease mechanism in autosomal recessive neuronal ceroid lipofuscinosis. In summary, while there is some suspicion for a pathogenic role, the clinical significance of this variant is uncertain. The ACMG/ClinGen evidence codes and points used in this curation are as follows: 1: 0 points, 2: 0.45 points, A: 0 points, 4-5: 0.15 points; Total: 0.6 points; Riggs 2020 (PMID: 31690835).